The following is an entry in ClinVar:

ClinVar aggregate classification (germline): Uncertain significance (1 of 4 stars; one submission).

Submission:

Labcorp Genetics (formerly Invitae), Labcorp
Classification: Uncertain significance. Last evaluated: 2026-01-30. Review status: criteria provided, single submitter. Criteria: Invitae Variant Classification Sherloc (09022015). Collection method: clinical testing. Allele origin: germline.
Comment: This sequence change replaces glutamine, which is neutral and polar, with glutamic acid, which is acidic and polar, at codon 4 of the REST protein (p.Gln4Glu). This variant is not present in population databases (gnomAD no frequency). This variant has not been reported in the literature in individuals affected with REST-related conditions. An algorithm developed to predict the effect of missense changes on protein structure and function (PolyPhen-2) suggests that this variant is likely to be disruptive. In summary, the available evidence is currently insufficient to determine the role of this variant in disease. Therefore, it has been classified as a Variant of Uncertain Significance.

NM_005612.5(REST):c.10C>G (p.Gln4Glu)

Gene: REST (RE1 silencing transcription factor; plus strand). Cytogenetic location: 4q12.
Variant type: single nucleotide variant.
Coding change: c.10C>G on transcript NM_005612.5 (MANE Select); coding-DNA position 10, C replaced by G.
Protein change: p.Gln4Glu; replaces glutamine 4 with glutamic acid.
Molecular consequence: missense variant.
Genome position (GRCh38, 1-based): chr4:56,910,648, C>G. VCF-style: chr4-56910648-C-G. GRCh37 (hg19) VCF-style: chr4-57776814-C-G.
Other names: c.10C>G, p.Gln4Glu (NM_001193508.2, NM_001363453.3, NM_001440532.1 and 1 more transcripts); short protein forms Q4E.
Identifiers: ClinVar variation 4747727 (VCV004747727.1).
Genomic context (GRCh38, chr4:56,910,648, plus strand): 5'-TGTTTAAACTGGTGCTCTTGTTTTGTTTTGTTTTTAATTCAGAATACAGTTATGGCCACC[C>G]AGGTAATGGGGCAGTCTTCTGGAGGAGGAGGGCTGTTTACCAGCAGTGGCAACATTGGAA-3'
Protein context (NP_005603.3, residues 1-14): MAT[Gln4Glu]VMGQSSGGGG